The following is an entry in ClinVar:

ClinVar aggregate classification (germline): Pathogenic (1 of 4 stars; one submission).

Conditions:
Methylcobalamin deficiency type cblE (HMAE). Also called: VITAMIN B12-RESPONSIVE HOMOCYSTINURIA, cblE TYPE; HOMOCYSTINURIA-MEGALOBLASTIC ANEMIA, cblE COMPLEMENTATION TYPE; HOMOCYSTINURIA-MEGALOBLASTIC ANEMIA, cblE TYPE. Identifiers: Orphanet 2169, Orphanet 622, MedGen C1856057, MONDO:0009354, OMIM 236270.

Submission:

Women's Health and Genetics/Laboratory Corporation of America, LabCorp
Classification: Pathogenic for Methylcobalamin deficiency type cblE. Last evaluated: 2026-05-26. Review status: criteria provided, single submitter. Criteria: LabCorp Variant Classification Summary - May 2015. Collection method: clinical testing. Allele origin: germline.
Comment: Variant summary: MTRR c.408_409delAC (p.Glu136AspfsX4) results in a premature termination codon, predicted to cause a truncation of the encoded protein or absence of the protein due to nonsense mediated decay, which are commonly known mechanisms for disease. The variant was absent in 247964 control chromosomes. To our knowledge, no occurrence of c.408_409delAC in individuals affected with MTRR-related conditions and no experimental evidence demonstrating its impact on protein function have been reported. No submitters have cited clinical-significance assessments for this variant to ClinVar. Based on the evidence outlined above, the variant was classified as pathogenic.

NM_002454.3(MTRR):c.408_409del (p.Glu136fs)

Gene: MTRR (5-methyltetrahydrofolate-homocysteine methyltransferase reductase; plus strand). Cytogenetic location: 5p15.31.
Variant type: Deletion.
Coding change: c.408_409del on transcript NM_002454.3 (MANE Select); coding-DNA positions 408 to 409, 2 bases deleted (AC; older notation c.408_409delAC).
Protein change: p.Glu136fs; shifts the reading frame from glutamic acid 136.
Molecular consequence: frameshift variant. On other transcripts: non-coding transcript variant (14).
Genome position (GRCh38, 1-based): chr5:7,877,950-7,877,951, AC deleted. VCF-style (leftmost placement, unchanged base first): chr5-7877949-AAC-A. GRCh37 (hg19) VCF-style: chr5-7878062-AAC-A.
Other names: c.408_409del, p.Glu136fs (NM_001364440.2, NM_001364441.2, NM_001364442.2 and 1 more transcripts); c.408_409delAC (NM_002454.3); short protein forms E136fs.
Identifiers: ClinVar variation 4853674 (VCV004853674.1).